The following is an entry in ClinVar:

ClinVar aggregate classification (germline): Uncertain significance (1 of 4 stars; one submission).

gnomAD v4.1: 30 of 1,613,650 alleles (0.0019%); highest among the groups gnomAD compares: East Asian, 0.065%; no homozygotes.

Submission:

Labcorp Genetics (formerly Invitae), Labcorp
Classification: Uncertain significance. Last evaluated: 2024-05-15. Review status: criteria provided, single submitter. Criteria: Invitae Variant Classification Sherloc (09022015). Collection method: clinical testing. Allele origin: germline.
Comment: This sequence change replaces phenylalanine, which is neutral and non-polar, with leucine, which is neutral and non-polar, at codon 587 of the ANKZF1 protein (p.Phe587Leu). This variant is present in population databases (rs202141823, gnomAD 0.01%). This variant has not been reported in the literature in individuals affected with ANKZF1-related conditions. An algorithm developed to predict the effect of missense changes on protein structure and function (PolyPhen-2) suggests that this variant is likely to be tolerated. In summary, the available evidence is currently insufficient to determine the role of this variant in disease. Therefore, it has been classified as a Variant of Uncertain Significance.

NM_018089.3(ANKZF1):c.1759T>C (p.Phe587Leu)

Gene: ANKZF1 (ankyrin repeat and zinc finger peptidyl tRNA hydrolase 1; plus strand). Cytogenetic location: 2q35.
Variant type: single nucleotide variant.
Coding change: c.1759T>C on transcript NM_018089.3 (MANE Select); coding-DNA position 1759, T replaced by C.
Protein change: p.Phe587Leu; replaces phenylalanine 587 with leucine.
Molecular consequence: missense variant.
Genome position (GRCh38, 1-based): chr2:219,235,541, T>C. VCF-style: chr2-219235541-T-C. GRCh37 (hg19) VCF-style: chr2-220100263-T-C.
Other names: c.1759T>C, p.Phe587Leu (NM_001042410.2); c.1129T>C, p.Phe377Leu (NM_001282792.2); short protein forms F377L, F587L.
Identifiers: ClinVar variation 3608960 (VCV003608960.2).
Genomic context (GRCh38, chr2:219,235,541, plus strand): 5'-CGGGCCCGGCCACCTTATACTGTTGCGGCTGACAAATCAACACGTAATGAGTTCCGAAGG[T>C]TCATGGAGAAGAATCCAGATGCCTACGATTACAACAAGGCTCAGGTCATCTGGAATAGGA-3'
Protein context (NP_060559.2, residues 577-597): DKSTRNEFRR[Phe587Leu]MEKNPDAYDY